The following is an entry in ClinVar:

NM_001349798.2(FBXW7):c.1513C>T (p.Arg505Cys)

Gene: FBXW7 (F-box and WD repeat domain containing 7; minus strand). Cytogenetic location: 4q31.3.
Variant type: single nucleotide variant.
Coding change: c.1513C>T on transcript NM_001349798.2 (MANE Select); coding-DNA position 1513, C replaced by T.
Protein change: p.Arg505Cys; replaces arginine 505 with cysteine.
Molecular consequence: missense variant.
Genome position (GRCh38, 1-based): chr4:152,326,137, G>A on the plus strand (C>T on the coding strand, the complement: FBXW7 is on the minus strand). VCF-style: chr4-152326137-G-A. GRCh37 (hg19) VCF-style: chr4-153247289-G-A.
Other names: c.1159C>T, p.Arg387Cys (NM_001013415.2); c.1273C>T, p.Arg425Cys (NM_018315.5); c.1513C>T, p.Arg505Cys (NM_033632.3); short protein forms R505C, R387C, R425C.
Identifiers: ClinVar variation 69961 (VCV000069961.3), dbSNP rs149680468, ClinGen allele CA16602253.

ClinVar aggregate classification (germline): Likely pathogenic (1 of 4 stars; one submission).
ClinVar aggregate classification (somatic clinical impact): Tier I - Strong. Review status: criteria provided, single submitter (1 of 4 stars). 5 submissions from 1 submitter. 4 of the submissions do not count toward it. Last evaluated 2025-10-08.

Conditions:
FBXW7-related neurodevelopmental disorder.
Embryonal rhabdomyosarcoma (ERMS). Also called: Botryoid rhabdomyosarcoma (type of ERMS); Spindle cell rhabdomyosarcomas (type of ERMS). Identifiers: Orphanet 99757, MedGen C0206656, MONDO:0009993, HP:0006743.
Medulloblastoma WNT activated. Identifiers: MedGen C4331965, MONDO:0850196.
Medulloblastoma non-WNT/non-SHH group 3. Identifiers: MedGen C4330665, MONDO:0956966.
Diffuse pediatric-type high-grade glioma, H3-wildtype and IDH-wildtype. Identifiers: MedGen C5669918, MONDO:0858939.
Alveolar rhabdomyosarcoma (RMS2). Also called: Alveolar rhabdomyosarcoma (disease); RHABDOMYOSARCOMA 2. Identifiers: Orphanet 780, Orphanet 99756, MedGen C0206655, MONDO:0009994, OMIM 268220, HP:0006779.

Allele frequency attached by ClinVar (database versions not stated): gnomAD exomes below 0.00001.
gnomAD v4.1: 1 of 1,613,118 alleles (0.000062%); highest among the groups gnomAD compares: Non-Finnish European, 0.000085%; no homozygotes.

Submissions (6):

Institute for Genomic Medicine (IGM) Clinical Laboratory, Nationwide Children's Hospital
Classification: Tier II - Potential for Medulloblastoma non-WNT/non-SHH group 3. Assertion type: diagnostic. Clinical significance: supports diagnosis. Last evaluated: 2025-10-31. Review status: criteria provided, single submitter. Criteria: AMP/ASCO/CAP Guidelines, 2017. Collection method: clinical testing. Allele origin: somatic. Affected: yes. Not counted in ClinVar's aggregate classification.
Comment: Variant has Tier II (potential) clinical significance as a diagnostic inclusion criterion in medulloblastoma non-WNT/non-SHH group 3, based on the following evidence: 1) Documented in one or more cancer databases (e.g., St. Jude Pecan, COSMIC, CIViC, OncoKB). 2) Information in the literature supports potential biologic effect of variant (PMIDs: 24838835, 30510140). 3) Diagnostic significance based on multiple small studies (Evidence Level C; PMIDs: 28726821, 33502920, 33741928).

Institute for Genomic Medicine (IGM) Clinical Laboratory, Nationwide Children's Hospital
Classification: Tier I - Strong for Embryonal rhabdomyosarcoma. Assertion type: diagnostic. Clinical significance: supports diagnosis. Last evaluated: 2025-10-08. Review status: criteria provided, single submitter. Criteria: AMP/ASCO/CAP Guidelines, 2017. Collection method: clinical testing. Allele origin: somatic. Affected: yes.
Comment: Variant has Tier I (strong) clinical significance as a diagnostic inclusion criterion in embryonal rhabdomyosarcoma, based on the following evidence: 1) Documented in one or more cancer databases (e.g., St. Jude Pecan, COSMIC, CIViC, OncoKB). 2) Appears in one or more well-established professional guidelines (e.g., World Health Organization [WHO]; National Comprehensive Cancer Network [NCCN]) as providing diagnostic, prognostic, or therapeutic information. 3) Information in the literature supports potential biologic effect of variant (PMIDs: 24838835, 30510140, 38483988). 4) Diagnostic for a specific tumor type/classification based on well-powered studies with expert-level consensus (Evidence Level B; PMIDs: 24436047, 34166060, 25768946).

Institute for Genomic Medicine (IGM) Clinical Laboratory, Nationwide Children's Hospital
Classification: Tier II - Potential for Diffuse pediatric-type high-grade glioma, H3-wildtype and IDH-wildtype. Assertion type: diagnostic. Clinical significance: supports diagnosis. Last evaluated: 2023-11-10. Review status: criteria provided, single submitter. Criteria: AMP/ASCO/CAP Guidelines, 2017. Collection method: clinical testing. Allele origin: somatic. Affected: yes. Not counted in ClinVar's aggregate classification.
Comment: Variant has Tier II (potential) clinical significance as a diagnostic inclusion criterion in diffuse pediatric-type high-grade glioma, H3-wildtype and IDH-wildtype, based on the following evidence: 1) Documented in one or more cancer databases (e.g., St. Jude Pecan, COSMIC, CIViC, OncoKB). 2) Information in the literature supports potential biologic effect of variant (PMIDs: 24838835, 30510140). 3) Assists in diagnosis alone or along with other biomarkers based on small studies or few case reports (Evidence Level D; PMID: 28966033).

Institute for Genomic Medicine (IGM) Clinical Laboratory, Nationwide Children's Hospital
Classification: Tier II - Potential for Medulloblastoma WNT activated. Assertion type: diagnostic. Clinical significance: supports diagnosis. Last evaluated: 2023-05-25. Review status: criteria provided, single submitter. Criteria: AMP/ASCO/CAP Guidelines, 2017. Collection method: clinical testing. Allele origin: somatic. Affected: yes. Not counted in ClinVar's aggregate classification.
Comment: Variant has Tier II (potential) clinical significance as a diagnostic inclusion criterion in medulloblastoma WNT activated, based on the following evidence: 1) Documented in one or more cancer databases (e.g., St. Jude Pecan, COSMIC, CIViC, OncoKB). 2) Information in the literature supports potential biologic effect of variant (PMIDs: 24838835, 30510140). 3) Diagnostic significance based on multiple small studies (Evidence Level C; PMIDs: 28726821, 33502920).

Institute for Genomic Medicine (IGM) Clinical Laboratory, Nationwide Children's Hospital
Classification: Tier II - Potential for Alveolar rhabdomyosarcoma. Assertion type: diagnostic. Clinical significance: supports diagnosis. Last evaluated: 2023-05-08. Review status: criteria provided, single submitter. Criteria: AMP/ASCO/CAP Guidelines, 2017. Collection method: clinical testing. Allele origin: somatic. Affected: yes. Not counted in ClinVar's aggregate classification.
Comment: Variant has Tier II (potential) clinical significance as a diagnostic inclusion criterion in alveolar rhabdomyosarcoma, based on the following evidence: 1) Documented in one or more cancer databases (e.g., St. Jude Pecan, COSMIC, CIViC, OncoKB). 2) Appears in one or more well-established professional guidelines (e.g., World Health Organization [WHO]; National Comprehensive Cancer Network [NCCN]) as providing diagnostic, prognostic, or therapeutic information. 3) Information in the literature supports potential biologic effect of variant (PMIDs: 24838835, 30510140). 4) Diagnostic significance based on multiple small studies (Evidence Level C).

Rady Children's Institute for Genomic Medicine, Rady Children's Hospital San Diego
Classification: Likely pathogenic for FBXW7-related neurodevelopmental disorder. Review status: criteria provided, single submitter. Criteria: ACMG Guidelines, 2015. Collection method: clinical testing. Allele origin: germline. Affected: yes.
Comment: This variant has not been previously reported or functionally characterized in the literature to our knowledge. A different amino acid change at the same residue (p.Arg505His) has been previously reported in an individual with FBXW7-related disorder (PMID: 35395208). The c.1513C>T (p.Arg505Cys) variant is absent from the gnomAD population database and thus is presumed to be rare. The c.1513C>T (p.Arg505Cys) variant affects a highly conserved amino acid and is predicted by multiple in silico tools to have a deleterious effect on protein function. Analysis of the parental samples was negative for the variant, indicating this variant likely occurred as a de novo event. Based on the available evidence, the c.1513C>T (p.Arg505Cys) variant is classified as Likely Pathogenic.

Literature cited by the submitters: PubMed 24838835 (cited by Institute for Genomic Medicine (IGM) Clinical Laboratory, Nationwide Children's Hospital); PubMed 30510140 (cited by Institute for Genomic Medicine (IGM) Clinical Laboratory, Nationwide Children's Hospital); PubMed 28726821 (cited by Institute for Genomic Medicine (IGM) Clinical Laboratory, Nationwide Children's Hospital); PubMed 33502920 (cited by Institute for Genomic Medicine (IGM) Clinical Laboratory, Nationwide Children's Hospital); PubMed 33741928 (cited by Institute for Genomic Medicine (IGM) Clinical Laboratory, Nationwide Children's Hospital); PubMed 38483988 (cited by Institute for Genomic Medicine (IGM) Clinical Laboratory, Nationwide Children's Hospital); PubMed 24436047 (cited by Institute for Genomic Medicine (IGM) Clinical Laboratory, Nationwide Children's Hospital); PubMed 34166060 (cited by Institute for Genomic Medicine (IGM) Clinical Laboratory, Nationwide Children's Hospital); PubMed 25768946 (cited by Institute for Genomic Medicine (IGM) Clinical Laboratory, Nationwide Children's Hospital); PubMed 28966033 (cited by Institute for Genomic Medicine (IGM) Clinical Laboratory, Nationwide Children's Hospital).